The following is an entry in ClinVar:

NM_017617.5(NOTCH1):c.148G>A (p.Gly50Arg)

Gene: NOTCH1 (notch receptor 1; minus strand). Cytogenetic location: 9q34.3.
Variant type: single nucleotide variant.
Coding change: c.148G>A on transcript NM_017617.5 (MANE Select); coding-DNA position 148, G replaced by A.
Protein change: p.Gly50Arg; replaces glycine 50 with arginine.
Molecular consequence: missense variant.
Genome position (GRCh38, 1-based): chr9:136,523,972, C>T on the plus strand (G>A on the coding strand, the complement: NOTCH1 is on the minus strand). VCF-style: chr9-136523972-C-T. GRCh37 (hg19) VCF-style: chr9-139418424-C-T.
Other names: short protein forms G50R.
Identifiers: ClinVar variation 844846 (VCV000844846.9), dbSNP rs776758626, ClinGen allele CA5342241.
Genomic context (GRCh38, chr9:136,523,972, plus strand): 5'-TCTTGCAGGGGGTGCTGAGGCACGGGTTGGGGTCCTGGCATCGCGGGCCCACGAAGGCCC[C>T]GCCACAGCTGTTGGCAGATGTGCCAGGGCAGTTAGTTCCCACCTGCTTCCCCAGCGCCCC-3'
Protein context (NP_060087.3, residues 40-60): ANGTEACVCG[Gly50Arg]AFVGPRCQDP

ClinVar aggregate classification (germline): Uncertain significance. Review status: criteria provided, multiple submitters, no conflicts (2 of 4 stars). 2 submissions from 2 submitters: Uncertain significance (2). Last evaluated 2025-08-12.

Conditions:
Familial thoracic aortic aneurysm and aortic dissection (TAAD). Also called: Thoracic aortic aneurysms and dissections. Identifiers: Orphanet 91387, MedGen C4707243, MONDO:0019625.
Adams-Oliver syndrome 5 (AOS5). Identifiers: Orphanet 974, MedGen C4014970, MONDO:0014459, OMIM 616028.

Allele frequency attached by ClinVar (database versions not stated): gnomAD 0.00001 and 0.00002; TOPMed 0.00002; ExAC 0.00005.
gnomAD v4.1: 20 of 1,555,718 alleles (0.0013%); highest among the groups gnomAD compares: South Asian, 0.0082%; no homozygotes.

Submissions (2):

Labcorp Genetics (formerly Invitae), Labcorp
Classification: Uncertain significance for Adams-Oliver syndrome 5. Last evaluated: 2025-08-12. Review status: criteria provided, single submitter. Criteria: Invitae Variant Classification Sherloc (09022015). Collection method: clinical testing. Allele origin: germline.
Comment: This sequence change replaces glycine, which is neutral and non-polar, with arginine, which is basic and polar, at codon 50 of the NOTCH1 protein (p.Gly50Arg). The frequency data for this variant in the population databases is considered unreliable, as metrics indicate poor data quality at this position in the gnomAD database. This variant has not been reported in the literature in individuals affected with NOTCH1-related conditions. ClinVar contains an entry for this variant (Variation ID: 844846). Invitae Evidence Modeling of protein sequence and biophysical properties (such as structural, functional, and spatial information, amino acid conservation, physicochemical variation, residue mobility, and thermodynamic stability) indicates that this missense variant is not expected to disrupt NOTCH1 protein function with a negative predictive value of 95%. In summary, the available evidence is currently insufficient to determine the role of this variant in disease. Therefore, it has been classified as a Variant of Uncertain Significance.

Ambry Genetics
Classification: Uncertain significance for Familial thoracic aortic aneurysm and aortic dissection. Last evaluated: 2022-04-11. Review status: criteria provided, single submitter. Criteria: Ambry Variant Classification Scheme 2023. Collection method: clinical testing. Allele origin: germline.
Comment: The p.G50R variant (also known as c.148G>A), located in coding exon 3 of the NOTCH1 gene, results from a G to A substitution at nucleotide position 148. The glycine at codon 50 is replaced by arginine, an amino acid with dissimilar properties. This amino acid position is conserved. In addition, this alteration is predicted to be tolerated by in silico analysis. Since supporting evidence is limited at this time, the clinical significance of this alteration remains unclear.